The following is an entry in ClinVar:

NM_000071.3(CBS):c.700G>A (p.Asp234Asn)

Gene: CBS (cystathionine beta-synthase; minus strand). Cytogenetic location: 21q22.3.
Variant type: single nucleotide variant.
Coding change: c.700G>A on transcript NM_000071.3 (MANE Select); coding-DNA position 700, G replaced by A.
Protein change: p.Asp234Asn; replaces aspartic acid 234 with asparagine.
Molecular consequence: missense variant.
Genome position (GRCh38, 1-based): chr21:43,065,239, C>T on the plus strand (G>A on the coding strand, the complement: CBS is on the minus strand). VCF-style: chr21-43065239-C-T. GRCh37 (hg19) VCF-style: chr21-44485349-C-T.
Other names: p.D234N:GAC>AAC; c.700G>A, p.Asp234Asn (NM_001178008.3, NM_001178009.3, NM_001320298.2); c.385G>A, p.Asp129Asn (NM_001321072.1); short protein forms D234N, D129N.
Identifiers: ClinVar variation 212852 (VCV000212852.18), dbSNP rs773734233, ClinGen allele CA324489.

ClinVar aggregate classification (germline): Pathogenic/Likely pathogenic. Review status: criteria provided, multiple submitters, no conflicts (2 of 4 stars). 7 submissions from 7 submitters: Pathogenic (4); Likely pathogenic (3). Last evaluated 2026-06-04.

Conditions:
HYPERHOMOCYSTEINEMIA, THROMBOTIC, CBS-RELATED. Identifiers: MedGen C3150344, OMIM 236200.
Homocystinuria. Identifiers: MedGen C0019880, MONDO:0004737, HP:0002156.
Familial thoracic aortic aneurysm and aortic dissection (TAAD). Also called: Thoracic aortic aneurysms and dissections. Identifiers: Orphanet 91387, MedGen C4707243, MONDO:0019625.
Classic homocystinuria. Also called: Homocystinuria due to Cystathionine Beta-Synthase Deficiency; Homocystinuria due to CBS deficiency; Cystathionine beta-synthase deficiency; CBS deficiency; HOMOCYSTINURIA WITH OR WITHOUT RESPONSE TO PYRIDOXINE. Identifiers: Orphanet 394, MedGen C0751202, MONDO:0009352, OMIM 236200.

Allele frequency attached by ClinVar (database versions not stated): ExAC 0.00002; gnomAD 0.00010; gnomAD exomes 0.00001; TOPMed 0.00008.

Submissions (7):

Ambry Genetics
Classification: Likely pathogenic for Familial thoracic aortic aneurysm and aortic dissection. Last evaluated: 2026-06-04. Review status: criteria provided, single submitter. Criteria: Ambry Variant Classification Scheme 2023. Collection method: clinical testing. Allele origin: germline.
Comment: The p.D234N variant (also known as c.700G>A), located in coding exon 6 of the CBS gene, results from a G to A substitution at nucleotide position 700. The aspartic acid at codon 234 is replaced by asparagine, an amino acid with highly similar properties. This variant has been identified in the homozygous state and/or in conjunction with other CBS variant(s) in individual(s) with features consistent with homocystinuria; in at least one instance, the variants were identified in trans (De Lucca M et al. Mol Genet Metab, 2004 Mar;81:209-15; El-Said MF et al. Hum Mutat, 2006 Jul;27:719; external communication). In multiple assays testing CBS function, this variant showed functionally abnormal results (Mayfield JA et al. Genetics, 2012 Apr;190:1309-23; Casique L et al. Gene, 2013 Nov;531:117-24). This amino acid position is highly conserved in available vertebrate species. In addition, the in silico prediction for this alteration is inconclusive. This variant is considered to be rare based on population cohorts in the Genome Aggregation Database (gnomAD). Based on the majority of available evidence to date, this variant is likely to be pathogenic.

Labcorp Genetics (formerly Invitae), Labcorp
Classification: Pathogenic for HYPERHOMOCYSTEINEMIA, THROMBOTIC, CBS-RELATED. Last evaluated: 2025-11-22. Review status: criteria provided, single submitter. Criteria: Invitae Variant Classification Sherloc (09022015). Collection method: clinical testing. Allele origin: germline.
Comment: This sequence change replaces aspartic acid, which is acidic and polar, with asparagine, which is neutral and polar, at codon 234 of the CBS protein (p.Asp234Asn). This variant is present in population databases (rs773734233, gnomAD 0.006%). This missense change has been observed in individual(s) with homocystinuria (PMID: 14972327, 16786517; internal data). In at least one individual the data is consistent with being in trans (on the opposite chromosome) from a pathogenic variant. ClinVar contains an entry for this variant (Variation ID: 212852). Invitae Evidence Modeling of protein sequence and biophysical properties (such as structural, functional, and spatial information, amino acid conservation, physicochemical variation, residue mobility, and thermodynamic stability) indicates that this missense variant is expected to disrupt CBS protein function with a positive predictive value of 95%. Experimental studies have shown that this missense change affects CBS function (PMID: 22267502, 23981774). For these reasons, this variant has been classified as Pathogenic.

Natera, Inc.
Classification: Likely pathogenic for Homocystinuria due to cystathionine beta-synthase deficiency. Last evaluated: 2025-08-23. Review status: criteria provided, single submitter. Criteria: Natera Variant Classification Schema (03/2026). Collection method: clinical testing. Allele origin: germline.
Comment: The c.700G>A variant in CBS is a missense variant predicted to cause substitution of aspartic acid to asparagine at amino acid 234. This variant is rare in the general population with a frequency below the threshold expected for the associated phenotype(s). This variant has been observed in one or more individuals affected with the associated recessive disease, as either homozygous or compound heterozygous with a second variant (PMID: 16786517, 23981774). Functional studies show that this variant may disrupt protein function (PMID: 23981774). Computational prediction algorithms indicate this variant is likely to affect gene or protein function. Given the available evidence, this variant is classified as Likely Pathogenic.

Revvity Omics, Revvity
Classification: Likely pathogenic for Classic homocystinuria. Last evaluated: 2024-06-07. Review status: criteria provided, single submitter. Criteria: ACMG Guidelines, 2015. Collection method: clinical testing. Allele origin: germline.

Baylor Genetics
Classification: Pathogenic for Classic homocystinuria. Last evaluated: 2024-02-10. Review status: criteria provided, single submitter. Criteria: ACMG Guidelines, 2015. Collection method: clinical testing. Allele origin: unknown.

GeneDx
Classification: Pathogenic. Last evaluated: 2022-03-21. Review status: criteria provided, single submitter. Criteria: GeneDx Variant Classification Process June 2021. Collection method: clinical testing. Allele origin: germline. Affected: yes.
Comment: Not observed at significant frequency in large population cohorts (gnomAD); Published functional studies demonstrated that D234N expression in E. coli cells reduces CBS enzyme activity and D234N expression in Hek 293 cells leads to less soluble and fewer properly assembled subunits, suggesting D234N may lead to an unstable protein that is less able to assemble into a functional enzyme (Casique et al., 2014); In silico analysis supports that this missense variant has a deleterious effect on protein structure/function; This variant is associated with the following publications: (PMID: 10338090, 14972327, 22267502, 20303981, 19914636, 16786517, 23981774)

Women's Health and Genetics/Laboratory Corporation of America, LabCorp
Classification: Pathogenic for Homocystinuria. Last evaluated: 2016-06-26. Review status: criteria provided, single submitter. Criteria: LabCorp Variant Classification Summary - May 2015. Collection method: clinical testing. Allele origin: germline.
Comment: Variant summary: The CBS c.700G>A (p.Asp234Asn) variant causes a missense change located in the CBS N-terminal catalytic domain at a position that is conserved across species (De Luca et al., 2004). This involves a conserved nucleotide with 3/4 in silico tools (SNPs&Go not captured here due to low reliability index) predict a "damaging" outcome, which is further supported with functional studies. The variant of interest was observed in the large, broad control population, ExAC, with an allele frequency of 2/121342 (1/60671), which does not exceed the estimated maximal expected allele frequency for a pathogenic CBS variant of 1/328 (0.0030414). The variant of interest has been reported in multiple affected individuals via publications including 2 homozygous individuals. In addition, multiple reputable databases/clinical laboratories cite the variant as "pathogenic." Therefore, taking all available lines of evidence into consideration, the variant of interest is classified as Pathogenic.

Literature cited by the submitters: PubMed 10338090 (cited by Ambry Genetics and Women's Health and Genetics/Laboratory Corporation of America, LabCorp); PubMed 14972327 (cited by Ambry Genetics and Labcorp Genetics (formerly Invitae), Labcorp); PubMed 16786517 (cited by 4 submitters); PubMed 22267502 (cited by 3 submitters); PubMed 23981774 (cited by 4 submitters).